The following is an entry in ClinVar:

NM_001130021.3(ATP6V0A1):c.1799A>G (p.His600Arg)

Gene: ATP6V0A1 (ATPase H+ transporting V0 subunit a1; plus strand). Cytogenetic location: 17q21.2.
Variant type: single nucleotide variant.
Coding change: c.1799A>G on transcript NM_001130021.3 (MANE Select); coding-DNA position 1799, A replaced by G.
Protein change: p.His600Arg; replaces histidine 600 with arginine.
Molecular consequence: missense variant.
Genome position (GRCh38, 1-based): chr17:42,500,826, A>G. VCF-style: chr17-42500826-A-G. GRCh37 (hg19) VCF-style: chr17-40652844-A-G.
Other names: c.1820A>G, p.His607Arg (NM_001130020.3, NM_001378522.1, NM_001378523.1 and 3 more transcripts); c.1922A>G, p.His641Arg (NM_001378530.1, NM_001378533.1, NM_001378551.1 and 1 more transcripts); c.1943A>G, p.His648Arg (NM_001378531.1, NM_001378532.1); c.1589A>G, p.His530Arg (NM_001378545.1, NM_001378554.1); c.1586A>G, p.His529Arg (NM_001378546.1, NM_001378547.1); c.1553A>G, p.His518Arg (NM_001378548.1); c.1619A>G, p.His540Arg (NM_001378549.1); c.1691A>G, p.His564Arg (NM_001378550.1, NM_001378556.1, NM_001378536.1); and 3 more; short protein forms H518R, H529R, H530R, H540R, H547R, H557R, H564R, H600R.
Identifiers: ClinVar variation 3778165 (VCV003778165.7).

ClinVar aggregate classification (germline): Uncertain significance (1 of 4 stars; one submission).

gnomAD v4.1: 40 of 1,614,006 alleles (0.0025%); highest among the groups gnomAD compares: Middle Eastern, 0.016%; no homozygotes.

Submission:

CeGaT Center for Human Genetics Tuebingen
Classification: Uncertain significance. Last evaluated: 2025-03-01. Review status: criteria provided, single submitter. Criteria: CeGaT Center For Human Genetics Tuebingen Variant Classification Criteria Version 2. Collection method: clinical testing. Allele origin: germline. Affected: yes. Observed: 1 variant allele.
Comment: ATP6V0A1: PM2, PM3:Supporting, BP4